The following is an entry in ClinVar:

NM_001267550.2(TTN):c.105876G>A (p.Leu35292=)

Genes: TTN (titin; minus strand), TTN-AS1 (TTN antisense RNA 1; plus strand), LOC129935183 (ATAC-STARR-seq lymphoblastoid active region 16808; plus strand). Cytogenetic location: 2q31.2.
Variant type: single nucleotide variant.
Coding change: c.105876G>A on transcript NM_001267550.2 (MANE Select); coding-DNA position 105876, G replaced by A.
Protein change: p.Leu35292=; no amino-acid change (leucine 35292 retained).
Molecular consequence: synonymous variant.
Genome position (GRCh38, 1-based): chr2:178,530,739, C>T on the plus strand (G>A on the coding strand, the complement: TTN is on the minus strand). VCF-style: chr2-178530739-C-T. GRCh37 (hg19) VCF-style: chr2-179395466-C-T.
Other names: c.100953G>A, p.Leu33651= (NM_001256850.1); c.98172G>A, p.Leu32724= (NM_133378.4); c.78681G>A, p.Leu26227= (NM_003319.4); c.79056G>A, p.Leu26352= (NM_133432.3); c.79257G>A, p.Leu26419= (NM_133437.4).
Identifiers: ClinVar variation 167753 (VCV000167753.28), dbSNP rs372521529, ClinGen allele CA235024.

ClinVar aggregate classification (germline): Conflicting classifications of pathogenicity. Review status: criteria provided, conflicting classifications (1 of 4 stars). 9 submissions from 9 submitters: Uncertain significance (1); Likely benign (8). Last evaluated 2026-04-28.

Conditions:
Cardiovascular phenotype. Identifiers: MedGen CN230736.
TTN-related disorder. Also called: TTN-related condition; TTN-related disease; TTN-related disorders.
Dilated cardiomyopathy 1G (CMD1G). Identifiers: Orphanet 154, MedGen C1858763, MONDO:0011400, OMIM 604145.
Autosomal recessive limb-girdle muscular dystrophy type 2J (LGMDR10). Also called: Limb-girdle muscular dystrophy, type 2J; MUSCULAR DYSTROPHY, LIMB-GIRDLE, AUTOSOMAL RECESSIVE 10. Identifiers: Orphanet 140922, MedGen C1837342, MONDO:0012127, OMIM 608807.
Cardiomyopathy (CMYO). Also called: Cardiomyopathies. Identifiers: Orphanet 167848, MedGen C0878544, MONDO:0004994, HP:0001638. Inheritance: Various modes of inheritance.

Allele frequency attached by ClinVar (database versions not stated): ESP Exome Variant Server 0.00008; TOPMed 0.00008; gnomAD 0.00010 and 0.00011; 1000 Genomes Project 0.00040; 1000 Genomes Project 30x 0.00047.
gnomAD v4.1: 188 of 1,613,920 alleles (0.012%); highest among the groups gnomAD compares: Non-Finnish European, 0.014%; no homozygotes.

Submissions (9):

PreventionGenetics, part of Exact Sciences
Classification: Likely benign for TTN-related condition. Last evaluated: 2026-04-28. Review status: criteria provided, single submitter. Criteria: ACMG Guidelines, 2015. Collection method: clinical testing. Allele origin: germline.
Comment: This variant is classified as likely benign based on ACMG/AMP sequence variant interpretation guidelines (Richards et al. 2015 PMID: 25741868, with internal and published modifications).

Labcorp Genetics (formerly Invitae), Labcorp
Classification: Likely benign for Dilated cardiomyopathy 1G; Autosomal recessive limb-girdle muscular dystrophy type 2J. Last evaluated: 2026-01-17. Review status: criteria provided, single submitter. Criteria: Invitae Variant Classification Sherloc (09022015). Collection method: clinical testing. Allele origin: germline.

Women's Health and Genetics/Laboratory Corporation of America, LabCorp
Classification: Likely benign. Last evaluated: 2025-09-14. Review status: criteria provided, single submitter. Criteria: LabCorp Variant Classification Summary - May 2015. Collection method: clinical testing. Allele origin: germline.

Blueprint Genetics
Classification: Likely benign. Last evaluated: 2024-11-20. Review status: criteria provided, single submitter. Criteria: ACMG Guidelines, 2015. Collection method: clinical testing. Allele origin: germline.

Ambry Genetics
Classification: Likely benign for Cardiovascular phenotype. Last evaluated: 2020-10-15. Review status: criteria provided, single submitter. Criteria: Ambry Variant Classification Scheme 2023. Collection method: clinical testing. Allele origin: germline.

GeneDx
Classification: Likely benign. Last evaluated: 2019-06-24. Review status: criteria provided, single submitter. Criteria: GeneDx Variant Classification Process June 2021. Collection method: clinical testing. Allele origin: germline. Affected: yes.

CHEO Genetics Diagnostic Laboratory, Children's Hospital of Eastern Ontario
Classification: Likely benign for Cardiomyopathy. Last evaluated: 2017-11-24. Review status: criteria provided, single submitter. Criteria: ACMG Guidelines, 2015. Collection method: clinical testing. Allele origin: germline.

Eurofins Ntd Llc (ga)
Classification: Uncertain significance. Last evaluated: 2016-09-15. Review status: criteria provided, single submitter. Criteria: EGL Classification Definitions 2015. Collection method: clinical testing. Allele origin: germline. Observed: 4 variant alleles, 4 heterozygotes.

Laboratory for Molecular Medicine, Mass General Brigham Personalized Medicine
Classification: Likely benign. Last evaluated: 2012-03-19. Review status: criteria provided, single submitter. Criteria: LMM Criteria. Collection method: clinical testing. Allele origin: germline. Observed: 1 variant allele.
Comment: p.Leu32724Leu in Exon 307 of TTN: This variant is not expected to have clinical significance because it does not alter an amino acid residue, is not located wit hin the splice consensus sequence. It has been identified in 1/6616 European Ame rican chromosomes from a broad population by the NHLBI Exome Sequencing Project.